The following is an entry in ClinVar:

ClinVar aggregate classification (germline): Pathogenic/Likely pathogenic. Review status: criteria provided, multiple submitters, no conflicts (2 of 4 stars). 8 submissions from 7 submitters: Pathogenic (7); Likely pathogenic (1). Last evaluated 2025-11-10.

Conditions:
Rhizomelic chondrodysplasia punctata (RCDP). Identifiers: Orphanet 177, MedGen C0282529, MONDO:0015776. Disease mechanism: loss of function.
Refsum disease, classic. Also called: PHYH-Related Refsum Disease; PHYTANIC ACID OXIDASE DEFICIENCY; HEREDOPATHIA ATACTICA POLYNEURITIFORMIS; HMSN IV. Identifiers: Orphanet 773, MedGen C5780941, MONDO:1060256, OMIM 266500. Disease mechanism: loss of function.
Rhizomelic chondrodysplasia punctata type 1 (RCDP1). Also called: PEROXISOME BIOGENESIS DISORDER 9; PEX7-Related Rhizomelic Chondrodysplasia Punctata; CHONDRODYSTROPHIA CALCIFICANS PUNCTATA. Identifiers: Orphanet 177, Orphanet 309789, MedGen C1859133, MONDO:0008972, OMIM 215100. Disease mechanism: loss of function.
Peroxisome biogenesis disorder 9B. Also called: PEX7-Related Refsum Disease; PEROXISOME BIOGENESIS DISORDER, PEX7-RELATED, ATYPICAL; Refsum disease, adult, 2. Identifiers: Orphanet 773, MedGen C2749346, MONDO:0013945, OMIM 614879.

Allele frequency attached by ClinVar (database versions not stated): gnomAD exomes 0.00001; TOPMed 0.00001.
gnomAD v4.1: 4 of 1,609,744 alleles (0.00025%); highest among the groups gnomAD compares: Admixed American, 0.005%; no homozygotes.

Submissions (8):

Labcorp Genetics (formerly Invitae), Labcorp
Classification: Pathogenic for Peroxisome biogenesis disorder 9B. Last evaluated: 2025-11-10. Review status: criteria provided, single submitter. Criteria: Invitae Variant Classification Sherloc (09022015). Collection method: clinical testing. Allele origin: germline.
Comment: This sequence change affects a donor splice site in intron 2 of the PEX7 gene. It is expected to disrupt RNA splicing. Variants that disrupt the donor or acceptor splice site typically lead to a loss of protein function (PMID: 16199547), and loss-of-function variants in PEX7 are known to be pathogenic (PMID: 12325024, 12522768, 20301447). This variant is present in population databases (rs267608254, gnomAD 0.009%). Disruption of this splice site has been observed in individuals with rhizomelic chondrodysplasia punctata (PMID: 12325024). This variant is also known as IVS2+1G>C. ClinVar contains an entry for this variant (Variation ID: 188975). Studies have shown that disruption of this splice site alters PEX7 gene expression (PMID: 12325024). Algorithms developed to predict the effect of sequence changes on RNA splicing suggest that this variant may disrupt the consensus splice site. For these reasons, this variant has been classified as Pathogenic.

Natera, Inc.
Classification: Pathogenic for Rhizomelic Chondrodysplasia Punctata. Last evaluated: 2025-08-01. Review status: criteria provided, single submitter. Criteria: Natera Variant Classification Schema (03/2026). Collection method: clinical testing. Allele origin: germline.
Comment: The c.188+1G>C variant in PEX7 is a canonical splice donor site variant predicted to affect pre-mRNA splicing, which may result in an abnormal transcript and altered protein product. This variant is expected to result in nonsense mediated decay, truncation, or a dysfunctional protein product. This variant is rare in the general population with a frequency below the threshold expected for the associated phenotype(s). This variant has been observed in one or more individuals affected with the associated recessive disease, as either homozygous or compound heterozygous with a second variant (PMID: 12325024). Given the available evidence, this variant is classified as Pathogenic.

Baylor Genetics
Classification: Pathogenic for Peroxisome biogenesis disorder 9B. Last evaluated: 2024-03-08. Review status: criteria provided, single submitter. Criteria: ACMG Guidelines, 2015. Collection method: clinical testing. Allele origin: unknown.

GeneDx
Classification: Pathogenic. Last evaluated: 2023-06-09. Review status: criteria provided, single submitter. Criteria: GeneDx Variant Classification Process June 2021. Collection method: clinical testing. Allele origin: germline. Affected: yes.
Comment: Canonical splice site variant predicted to result in a null allele in a gene for which loss of function is a known mechanism of disease; Not observed at significant frequency in large population cohorts (gnomAD); This variant is associated with the following publications: (PMID: 25525159, 31589614, 31964843, 12325024)

Fulgent Genetics
Classification: Pathogenic for Rhizomelic chondrodysplasia punctata type 1; Refsum disease, classic; Peroxisome biogenesis disorder 9B. Last evaluated: 2022-01-19. Review status: criteria provided, single submitter. Criteria: ACMG Guidelines, 2015. Collection method: clinical testing. Allele origin: unknown.

Myriad Genetics, Inc.
Classification: Likely pathogenic for Rhizomelic chondrodysplasia punctata type 1. Last evaluated: 2021-10-27. Review status: criteria provided, single submitter. Criteria: Myriad Women's Health Autosomal Recessive and X-Linked Classification Criteria (2021). Collection method: clinical testing. Allele origin: unknown.
Comment: NM_000288.3(PEX7):c.188+1G>C is a canonical splice variant classified as likely pathogenic in the context of rhizomelic chondrodysplasia punctata type 1. c.188+1G>C has been observed in a case with relevant disease (PMID: 12325024). Functional assessments of this variant are not available in the literature. c.188+1G>C has been observed in population frequency databases (gnomAD: AMR 0.01%). In summary, NM_000288.3(PEX7):c.188+1G>C is a canonical splice variant in a gene where loss of function is a known mechanism of disease, is predicted to disrupt protein function, and has been observed more frequently in cases with the relevant disease than in healthy populations. Please note: this variant was assessed in the context of healthy population screening.

Women's Health and Genetics/Laboratory Corporation of America, LabCorp
Classification: Pathogenic for Rhizomelic chondrodysplasia punctata type 1. Last evaluated: 2020-10-12. Review status: criteria provided, single submitter. Criteria: LabCorp Variant Classification Summary - May 2015. Collection method: clinical testing. Allele origin: germline.
Comment: Variant summary: PEX7 c.188+1G>C (also known as IVS2+1G>C) is located in a canonical splice-site and is predicted to affect mRNA splicing resulting in a significantly altered protein due to either exon skipping, shortening, or inclusion of intronic material. At-least one in-silico prediction tool, Transcript-inferred Pathogenicity score (TraP), predicts a possible pathogenic outcome for this variant. The variant allele was found at a frequency of 1.2e-05 in 251450 control chromosomes (gnomAD). c.188+1G>C has been reported in the literature in individuals affected with Rhizomelic Chondrodysplasia Punctata Type 1 (e.g. Braverman_2002). These data indicate that the variant is likely to be associated with disease. A ClinVar submitter (evaluation after 2014) cites the variant as likely pathogenic. Based on the evidence outlined above, the variant was classified as pathogenic.

Baylor Genetics
Classification: Pathogenic for Rhizomelic chondrodysplasia punctata type 1. Review status: criteria provided, single submitter. Criteria: ACMG Guidelines, 2015. Collection method: clinical testing. Allele origin: germline.

Literature cited by the submitters: PubMed 16199547 (cited by Labcorp Genetics (formerly Invitae), Labcorp); PubMed 12325024 (cited by 4 submitters); PubMed 12522768 (cited by Labcorp Genetics (formerly Invitae), Labcorp); PubMed 20301447 (cited by Labcorp Genetics (formerly Invitae), Labcorp).

NM_000288.4(PEX7):c.188+1G>C

Gene: PEX7 (peroxisomal biogenesis factor 7; plus strand). Cytogenetic location: 6q23.3.
Variant type: single nucleotide variant.
Coding change: c.188+1G>C on transcript NM_000288.4 (MANE Select); the canonical splice donor site of the intron after coding-DNA position 188, G replaced by C.
Molecular consequence: splice donor variant.
Genome position (GRCh38, 1-based): chr6:136,825,272, G>C. VCF-style: chr6-136825272-G-C. GRCh37 (hg19) VCF-style: chr6-137146410-G-C.
Other names: c.74+1G>C (NM_001410945.1).
Identifiers: ClinVar variation 188975 (VCV000188975.21), dbSNP rs267608254, ClinGen allele CA274207.